The following is an entry in ClinVar:

NM_003227.4(TFR2):c.34C>T (p.Gln12Ter)

Gene: TFR2 (transferrin receptor 2; minus strand). Cytogenetic location: 7q22.1.
Variant type: single nucleotide variant.
Coding change: c.34C>T on transcript NM_003227.4 (MANE Select); coding-DNA position 34, C replaced by T.
Protein change: p.Gln12Ter; replaces glutamine 12 with a stop codon.
Molecular consequence: nonsense.
Genome position (GRCh38, 1-based): chr7:100,641,228, G>A on the plus strand (C>T on the coding strand, the complement: TFR2 is on the minus strand). VCF-style: chr7-100641228-G-A. GRCh37 (hg19) VCF-style: chr7-100238851-G-A.
Other names: short protein forms Q12*.
Identifiers: ClinVar variation 1431727 (VCV001431727.3), dbSNP rs2131328001, ClinGen allele CA368538764.
Genomic context (GRCh38, chr7:100,641,228, plus strand): 5'-CTTTCCGGGGGCCTTCCACACGCTGGTAGACGGTCTGAGAGGATCTTGGGGACAGTTGTT[G>A]CTGTGCAGGCGAGGTGGGCATGAGATTGGGGCAAGAGGCCTGGGGGGTGGGGAGGCATCT-3'

ClinVar aggregate classification (germline): Pathogenic/Likely pathogenic. Review status: criteria provided, multiple submitters, no conflicts (2 of 4 stars). 3 submissions from 3 submitters: Pathogenic (1); Likely pathogenic (2). Last evaluated 2024-05-18.

Conditions:
Hemochromatosis type 3 (HFE3). Also called: HEMOCHROMATOSIS DUE TO DEFECT IN TRANSFERRIN RECEPTOR 2; Hereditary hemochromatosis type 3; TFR2-Related Hemochromatosis. Identifiers: Orphanet 225123, MedGen C1858664, MONDO:0011417, OMIM 604250.
Hereditary hemochromatosis (HFE). Identifiers: MedGen C0392514, MONDO:0006507. Disease mechanism: loss of function.

gnomAD v4.1: 4 of 1,537,826 alleles (0.00026%); highest among the groups gnomAD compares: Non-Finnish European, 0.00035%; no homozygotes.

Submissions (3):

Fulgent Genetics
Classification: Likely pathogenic for Hemochromatosis type 3. Last evaluated: 2024-05-18. Review status: criteria provided, single submitter. Criteria: ACMG Guidelines, 2015. Collection method: clinical testing. Allele origin: germline.

Baylor Genetics
Classification: Likely pathogenic for Hemochromatosis type 3. Last evaluated: 2024-03-01. Review status: criteria provided, single submitter. Criteria: ACMG Guidelines, 2015. Collection method: clinical testing. Allele origin: unknown.

Labcorp Genetics (formerly Invitae), Labcorp
Classification: Pathogenic for Hereditary hemochromatosis. Last evaluated: 2021-04-05. Review status: criteria provided, single submitter. Criteria: Invitae Variant Classification Sherloc (09022015). Collection method: clinical testing. Allele origin: germline.
Comment: This sequence change creates a premature translational stop signal (p.Gln12*) in the TFR2 gene. It is expected to result in an absent or disrupted protein product. Loss-of-function variants in TFR2 are known to be pathogenic (PMID: 23600741, 26029709). The frequency data for this variant in the population databases is considered unreliable, as metrics indicate insufficient coverage at this position in the ExAC database. This variant has not been reported in the literature in individuals with TFR2-related conditions. For these reasons, this variant has been classified as Pathogenic.

Literature cited by the submitters: PubMed 23600741 (cited by Labcorp Genetics (formerly Invitae), Labcorp); PubMed 26029709 (cited by Labcorp Genetics (formerly Invitae), Labcorp).